The following is an entry in ClinVar:

ClinVar aggregate classification (germline): Benign/Likely benign. Review status: criteria provided, multiple submitters, no conflicts (2 of 4 stars). 8 submissions from 8 submitters: Benign (3); Likely benign (4). 1 of the submissions does not count toward it. Last evaluated 2025-12-28.

Conditions:
Lymphangiomyomatosis (LAM). Also called: Lymphangioleiomyomatosis; Lymphangioleiomyomatosis, somatic. Identifiers: Orphanet 538, MedGen C0751674, MONDO:0011705, OMIM 606690.
Isolated focal cortical dysplasia type II (FCORD2). Also called: Focal cortical dysplasia type II; CORTICAL DYSPLASIA OF TAYLOR. Identifiers: Orphanet 268994, MedGen C1846385, MONDO:0011818, OMIM 607341, HP:0032051.
Tuberous sclerosis 2 (TSC2). Identifiers: Orphanet 805, MedGen C1860707, MONDO:0013199, OMIM 613254.
TSC2-related disorder. Also called: TSC2-related condition; TSC2-Related Disorders.
Hereditary cancer-predisposing syndrome. Also called: Tumor predisposition; Neoplastic Syndromes, Hereditary; Hereditary Cancer Syndrome; Hereditary neoplastic syndrome. Identifiers: Orphanet 140162, MedGen C0027672, MeSH D009386, MONDO:0015356.
Tuberous sclerosis syndrome (TSC). Also called: Tuberous Sclerosis Complex; Tuberous sclerosis. Identifiers: Orphanet 805, MedGen C0041341, MONDO:0001734.

Allele frequency attached by ClinVar (database versions not stated): TOPMed 0.00001; ExAC 0.00002; gnomAD exomes 0.00004.
gnomAD v4.1: 66 of 1,606,724 alleles (0.0041%); highest among the groups gnomAD compares: Non-Finnish European, 0.0053%; no homozygotes.

Submissions (8):

Labcorp Genetics (formerly Invitae), Labcorp
Classification: Benign for Tuberous sclerosis 2. Last evaluated: 2025-12-28. Review status: criteria provided, single submitter. Criteria: Invitae Variant Classification Sherloc (09022015). Collection method: clinical testing. Allele origin: germline.

Myriad Genetics, Inc.
Classification: Benign for Tuberous sclerosis 2. Last evaluated: 2025-06-03. Review status: criteria provided, single submitter. Criteria: Myriad Autosomal Dominant, Autosomal Recessive and X-Linked Classification Criteria (2023). Collection method: clinical testing. Allele origin: unknown.
Comment: This variant is considered benign. This variant is a silent/synonymous amino acid change and it is not expected to impact splicing.

Color Diagnostics, LLC DBA Color Health
Classification: Likely benign for Tuberous sclerosis syndrome. Last evaluated: 2022-10-07. Review status: criteria provided, single submitter. Criteria: ACMG Guidelines, 2015. Collection method: clinical testing. Allele origin: germline.

Fulgent Genetics
Classification: Likely benign for Lymphangiomyomatosis; Isolated focal cortical dysplasia type II; Tuberous sclerosis 2. Last evaluated: 2022-04-01. Review status: criteria provided, single submitter. Criteria: ACMG Guidelines, 2015. Collection method: clinical testing. Allele origin: unknown.

Genome-Nilou Lab
Classification: Benign for Tuberous sclerosis 2. Last evaluated: 2021-11-07. Review status: criteria provided, single submitter. Criteria: ACMG Guidelines, 2015. Collection method: clinical testing. Allele origin: germline. Affected: no.

GeneDx
Classification: Likely benign. Last evaluated: 2019-12-02. Review status: criteria provided, single submitter. Criteria: GeneDx Variant Classification Process June 2021. Collection method: clinical testing. Allele origin: germline. Affected: yes.
Comment: This variant is associated with the following publications: (PMID: 24755471)

Ambry Genetics
Classification: Likely benign for Hereditary cancer-predisposing syndrome. Last evaluated: 2016-09-07. Review status: criteria provided, single submitter. Criteria: Ambry Variant Classification Scheme 2023. Collection method: clinical testing. Allele origin: germline.

PreventionGenetics, part of Exact Sciences
Classification: Likely benign for TSC2-related condition. Last evaluated: 2020-01-13. Review status: no assertion criteria provided. Collection method: clinical testing. Allele origin: germline. Not counted in ClinVar's aggregate classification.
Comment: This variant is classified as likely benign based on ACMG/AMP sequence variant interpretation guidelines (Richards et al. 2015 PMID: 25741868, with internal and published modifications).

NM_000548.5(TSC2):c.4356G>A (p.Ser1452=)

Gene: TSC2 (TSC complex subunit 2; plus strand). Cytogenetic location: 16p13.3.
Variant type: single nucleotide variant.
Coding change: c.4356G>A on transcript NM_000548.5 (MANE Select); coding-DNA position 4356, G replaced by A.
Protein change: p.Ser1452=; no amino-acid change (serine 1452 retained).
Molecular consequence: synonymous variant.
Genome position (GRCh38, 1-based): chr16:2,084,578, G>A. VCF-style: chr16-2084578-G-A. GRCh37 (hg19) VCF-style: chr16-2134579-G-A.
Other names: c.4155G>A, p.Ser1385= (NM_001077183.3); c.4287G>A, p.Ser1429= (NM_001114382.3); c.4047G>A, p.Ser1349= (NM_001318827.2); c.4011G>A, p.Ser1337= (NM_001318829.2); c.3624G>A, p.Ser1208= (NM_001318831.2); c.4188G>A, p.Ser1396= (NM_001318832.2); c.4158G>A, p.Ser1386= (NM_001363528.2); c.4224G>A, p.Ser1408= (NM_001370404.1); and 2 more.
Identifiers: ClinVar variation 413727 (VCV000413727.25), dbSNP rs779122170, ClinGen allele CA050974.